The following is an entry in ClinVar:

ClinVar aggregate classification (germline): Pathogenic/Likely pathogenic. Review status: criteria provided, multiple submitters, no conflicts (2 of 4 stars). 3 submissions from 3 submitters: Pathogenic (2); Likely pathogenic (1). Last evaluated 2024-02-19.

Conditions:
Miyoshi muscular dystrophy 1 (MMD1). Identifiers: Orphanet 45448, MedGen C4551973, MONDO:0024545, OMIM 254130.
Autosomal recessive limb-girdle muscular dystrophy type 2B (LGMDR2). Also called: Limb-Girdle Muscular Dystrophy Type 2B (LGMD2B); Limb-girdle muscular dystrophy, type 2B; MUSCULAR DYSTROPHY, LIMB-GIRDLE, AUTOSOMAL RECESSIVE 2; MUSCULAR DYSTROPHY, LIMB-GIRDLE, TYPE 3. Identifiers: Orphanet 268, MedGen C1850889, MONDO:0009676, OMIM 253601.
Distal myopathy with anterior tibial onset. Identifiers: Orphanet 178400, MedGen C1847532, MONDO:0011721, OMIM 606768.
Neuromuscular disease caused by qualitative or quantitative defects of dysferlin. Also called: Qualitative or quantitative defects of dysferlin; Dysferlinopathy. Identifiers: Orphanet 207073, MedGen C2931687, MONDO:0016145.

Submissions (3):

Labcorp Genetics (formerly Invitae), Labcorp
Classification: Pathogenic for Neuromuscular disease caused by qualitative or quantitative defects of dysferlin. Last evaluated: 2024-02-19. Review status: criteria provided, single submitter. Criteria: Invitae Variant Classification Sherloc (09022015). Collection method: clinical testing. Allele origin: germline.
Comment: This sequence change creates a premature translational stop signal (p.Gln570*) in the DYSF gene. It is expected to result in an absent or disrupted protein product. Loss-of-function variants in DYSF are known to be pathogenic (PMID: 17698709, 20301480). This variant is not present in population databases (gnomAD no frequency). This premature translational stop signal has been observed in individual(s) with dysferlinopathy (PMID: 27647186). ClinVar contains an entry for this variant (Variation ID: 283466). For these reasons, this variant has been classified as Pathogenic.

Genetic Diagnostics Department, Viafet Genomics Laboratory
Classification: Likely pathogenic for Miyoshi muscular dystrophy 1; Autosomal recessive limb-girdle muscular dystrophy type 2B; Distal myopathy with anterior tibial onset. Last evaluated: 2021-08-23. Review status: criteria provided, single submitter. Criteria: ACMG Guidelines, 2015. Collection method: clinical testing. Allele origin: germline. Inheritance: Autosomal recessive inheritance. Affected: no. Observed: 1 variant allele, 1 heterozygote.
Comment: This variant is present in exon 19/56 in a position that is conserved across all transcripts of this gene (14/14). Several loss-of-function variants are reported as disease-causing in HGMD and/or ClinVar after this position.

Eurofins Ntd Llc (ga)
Classification: Pathogenic. Last evaluated: 2015-09-22. Review status: criteria provided, single submitter. Criteria: EGL Classification Definitions 2015. Collection method: clinical testing. Allele origin: germline. Observed: 1 variant allele, 1 heterozygote.

Literature cited by the submitters: PubMed 17698709 (cited by Labcorp Genetics (formerly Invitae), Labcorp); PubMed 20301480 (cited by Labcorp Genetics (formerly Invitae), Labcorp); PubMed 27647186 (cited by Labcorp Genetics (formerly Invitae), Labcorp).

NM_001130987.2(DYSF):c.1762C>T (p.Gln588Ter)

Gene: DYSF (dysferlin; plus strand). Cytogenetic location: 2p13.2.
Variant type: single nucleotide variant.
Coding change: c.1762C>T on transcript NM_001130987.2 (MANE Select); coding-DNA position 1762, C replaced by T.
Protein change: p.Gln588Ter; replaces glutamine 588 with a stop codon.
Molecular consequence: nonsense.
Genome position (GRCh38, 1-based): chr2:71,551,676, C>T. VCF-style: chr2-71551676-C-T. GRCh37 (hg19) VCF-style: chr2-71778806-C-T.
Other names: c.1711C>T, p.Gln571Ter (NM_001130455.2, NM_001130983.2); c.1666C>T, p.Gln556Ter (NM_001130976.2, NM_001130977.2); c.1708C>T, p.Gln570Ter (NM_001130978.2, NM_003494.4); c.1801C>T, p.Gln601Ter (NM_001130979.2); c.1759C>T, p.Gln587Ter (NM_001130980.2, NM_001130981.2); c.1804C>T, p.Gln602Ter (NM_001130982.2); c.1669C>T, p.Gln557Ter (NM_001130984.2, NM_001130986.2); c.1762C>T, p.Gln588Ter (NM_001130985.2); short protein forms Q570*, Q588*, Q587*, Q556*, Q557*, Q601*, Q571*, Q602*.
Identifiers: ClinVar variation 283466 (VCV000283466.11), dbSNP rs886042633, ClinGen allele CA10604502.